The following is an entry in ClinVar:

NM_003839.4(TNFRSF11A):c.1651G>C (p.Val551Leu)

Gene: TNFRSF11A (TNF receptor superfamily member 11a; plus strand). Cytogenetic location: 18q21.33.
Variant type: single nucleotide variant.
Coding change: c.1651G>C on transcript NM_003839.4 (MANE Select); coding-DNA position 1651, G replaced by C.
Protein change: p.Val551Leu; replaces valine 551 with leucine.
Molecular consequence: missense variant. On other transcripts: 3 prime UTR variant (1).
Genome position (GRCh38, 1-based): chr18:62,384,834, G>C. VCF-style: chr18-62384834-G-C. GRCh37 (hg19) VCF-style: chr18-60052067-G-C.
Other names: c.*75G>C (NM_001270949.2); c.814G>C, p.Val272Leu (NM_001270950.2); c.700G>C, p.Val234Leu (NM_001270951.2); c.1609G>C, p.Val537Leu (NM_001278268.2); c.1651G>C (NM_003839.3); short protein forms V234L, V537L, V551L, V272L.
Identifiers: ClinVar variation 1394131 (VCV001394131.8), dbSNP rs369489962, ClinGen allele CA8984018.

ClinVar aggregate classification (germline): Uncertain significance. Review status: criteria provided, single submitter (1 of 4 stars). 2 submissions from 2 submitters: Uncertain significance (1). 1 of the submissions does not count toward it. Last evaluated 2022-10-19.

Conditions:
TNFRSF11A-related disorder. Also called: TNFRSF11A-related condition.

Allele frequency attached by ClinVar (database versions not stated): TOPMed 0.00001; ESP Exome Variant Server 0.00008.
gnomAD v4.1: 13 of 1,611,260 alleles (0.00081%); highest among the groups gnomAD compares: Non-Finnish European, 0.001%; no homozygotes.

Submissions (2):

Labcorp Genetics (formerly Invitae), Labcorp
Classification: Uncertain significance. Last evaluated: 2022-10-19. Review status: criteria provided, single submitter. Criteria: Invitae Variant Classification Sherloc (09022015). Collection method: clinical testing. Allele origin: germline.
Comment: In summary, the available evidence is currently insufficient to determine the role of this variant in disease. Therefore, it has been classified as a Variant of Uncertain Significance. Algorithms developed to predict the effect of missense changes on protein structure and function are either unavailable or do not agree on the potential impact of this missense change (SIFT: "Tolerated"; PolyPhen-2: "Probably Damaging"; Align-GVGD: "Class C0"). ClinVar contains an entry for this variant (Variation ID: 1394131). This variant has not been reported in the literature in individuals affected with TNFRSF11A-related conditions. This variant is present in population databases (rs369489962, gnomAD 0.002%). This sequence change replaces valine, which is neutral and non-polar, with leucine, which is neutral and non-polar, at codon 551 of the TNFRSF11A protein (p.Val551Leu).

PreventionGenetics, part of Exact Sciences
Classification: Uncertain significance for TNFRSF11A-related condition. Last evaluated: 2024-09-08. Review status: no assertion criteria provided. Collection method: clinical testing. Allele origin: germline. Not counted in ClinVar's aggregate classification.
Comment: The TNFRSF11A c.1651G>C variant is predicted to result in the amino acid substitution p.Val551Leu. To our knowledge, this variant has not been reported in the literature. This variant is reported in 0.0027% of alleles in individuals of European (Non-Finnish) descent in gnomAD. At this time, the clinical significance of this variant is uncertain due to the absence of conclusive functional and genetic evidence.